The following is an entry in ClinVar:

NM_020921.4(NIN):c.2738A>T (p.Gln913Leu)

Gene: NIN (ninein; minus strand). Cytogenetic location: 14q22.1.
Variant type: single nucleotide variant.
Coding change: c.2738A>T on transcript NM_020921.4 (MANE Select); coding-DNA position 2738, A replaced by T.
Protein change: p.Gln913Leu; replaces glutamine 913 with leucine.
Molecular consequence: missense variant. On other transcripts: intron variant (1).
Genome position (GRCh38, 1-based): chr14:50,758,292, T>A on the plus strand (A>T on the coding strand, the complement: NIN is on the minus strand). VCF-style: chr14-50758292-T-A. GRCh37 (hg19) VCF-style: chr14-51225010-T-A.
Other names: c.2738A>T, p.Gln913Leu (NM_182944.3, NM_182946.2); c.2399+1565A>T (NM_016350.5); short protein forms Q913L.
Identifiers: ClinVar variation 4702755 (VCV004702755.1).

ClinVar aggregate classification (germline): Uncertain significance (1 of 4 stars; one submission).

Submission:

Labcorp Genetics (formerly Invitae), Labcorp
Classification: Uncertain significance. Last evaluated: 2025-10-30. Review status: criteria provided, single submitter. Criteria: Invitae Variant Classification Sherloc (09022015). Collection method: clinical testing. Allele origin: germline.
Comment: This sequence change replaces glutamine, which is neutral and polar, with leucine, which is neutral and non-polar, at codon 913 of the NIN protein (p.Gln913Leu). This variant is not present in population databases (gnomAD no frequency). This variant has not been reported in the literature in individuals affected with NIN-related conditions. An algorithm developed to predict the effect of missense changes on protein structure and function (PolyPhen-2) suggests that this variant is likely to be tolerated. In summary, the available evidence is currently insufficient to determine the role of this variant in disease. Therefore, it has been classified as a Variant of Uncertain Significance.